The following is an entry in ClinVar:

NM_002458.3(MUC5B):c.15477+12C>A

Gene: MUC5B (mucin 5B, oligomeric mucus/gel-forming; plus strand). Cytogenetic location: 11p15.5.
Variant type: single nucleotide variant.
Coding change: c.15477+12C>A on transcript NM_002458.3 (MANE Select); 12 bases into the intron after coding-DNA position 15477, C replaced by A.
Molecular consequence: intron variant.
Genome position (GRCh38, 1-based): chr11:1,254,363, C>A. VCF-style: chr11-1254363-C-A. GRCh37 (hg19) VCF-style: chr11-1275593-C-A.
Identifiers: ClinVar variation 178793 (VCV000178793.5), dbSNP rs56352092, ClinGen allele CA183048.

ClinVar aggregate classification (germline): Benign. Review status: criteria provided, multiple submitters, no conflicts (2 of 4 stars). 2 submissions from 2 submitters: Benign (2). Last evaluated 2013-02-21.

Allele frequency attached by ClinVar (database versions not stated): ExAC 0.03949; ESP Exome Variant Server 0.05204; 1000 Genomes Project 30x 0.05153; gnomAD exomes 0.03585 and 0.03871; 1000 Genomes Project 0.05052; TOPMed 0.05211; gnomAD 0.04886 and 0.04932.
gnomAD v4.1: 59,596 of 1,598,332 alleles (3.7%); highest among the groups gnomAD compares: African/African-American, 9.7%; 1,442 homozygotes.

Submissions (2):

Laboratory for Molecular Medicine, Mass General Brigham Personalized Medicine
Classification: Benign. Last evaluated: 2013-02-21. Review status: criteria provided, single submitter. Criteria: LMM Criteria. Collection method: clinical testing. Allele origin: germline. Observed: 11 variant alleles.
Comment: 15477+12C>A in intron 34 of MUC5B: This variant is not expected to have clinical significance because it is not located within the conserved splice consensus se quence. It has been identified in 9.0% (378/4210) of African American chromosome s from a broad population by the NHLBI Exome Sequencing Project (dbSNP rs56352092).

Breakthrough Genomics
Classification: Benign. Review status: criteria provided, single submitter. Criteria: ACMG Guidelines, 2015. Collection method: not provided. Allele origin: germline. Inheritance: Autosomal dominant inheritance. Affected: yes.